The following is an entry in ClinVar:

ClinVar aggregate classification (germline): Uncertain significance (1 of 4 stars; one submission).

Conditions:
Epidermodysplasia verruciformis. Identifiers: Orphanet 302, MedGen C0014522, MONDO:0009176.

Allele frequency attached by ClinVar (database versions not stated): gnomAD exomes below 0.00001; TOPMed below 0.00001; ExAC 0.00001; gnomAD 0.00001.
gnomAD v4.1: 4 of 1,606,870 alleles (0.00025%); highest among the groups gnomAD compares: African/African-American, 0.0013%; no homozygotes.

Submission:

Labcorp Genetics (formerly Invitae), Labcorp
Classification: Uncertain significance for Epidermodysplasia verruciformis. Last evaluated: 2024-10-29. Review status: criteria provided, single submitter. Criteria: Invitae Variant Classification Sherloc (09022015). Collection method: clinical testing. Allele origin: germline.
Comment: This sequence change replaces serine, which is neutral and polar, with asparagine, which is neutral and polar, at codon 608 of the TMC8 protein (p.Ser608Asn). This variant also falls at the last nucleotide of exon 14, which is part of the consensus splice site for this exon. This variant is present in population databases (rs775574215, gnomAD 0.007%). This variant has not been reported in the literature in individuals affected with TMC8-related conditions. ClinVar contains an entry for this variant (Variation ID: 1063629). An algorithm developed to predict the effect of missense changes on protein structure and function (PolyPhen-2) suggests that this variant is likely to be disruptive. Variants that disrupt the consensus splice site are a relatively common cause of aberrant splicing (PMID: 17576681, 9536098). Algorithms developed to predict the effect of sequence changes on RNA splicing suggest that this variant may disrupt the consensus splice site. In summary, the available evidence is currently insufficient to determine the role of this variant in disease. Therefore, it has been classified as a Variant of Uncertain Significance.

Literature cited by the submitters: PubMed 17576681; PubMed 9536098.

NM_152468.5(TMC8):c.1823G>A (p.Ser608Asn)

Gene: TMC8 (transmembrane channel like 8; plus strand). Cytogenetic location: 17q25.3.
Variant type: single nucleotide variant.
Coding change: c.1823G>A on transcript NM_152468.5 (MANE Select); coding-DNA position 1823, G replaced by A.
Protein change: p.Ser608Asn; replaces serine 608 with asparagine.
Molecular consequence: missense variant.
Genome position (GRCh38, 1-based): chr17:78,138,732, G>A. VCF-style: chr17-78138732-G-A. GRCh37 (hg19) VCF-style: chr17-76134813-G-A.
Other names: short protein forms S608N.
Identifiers: ClinVar variation 1063629 (VCV001063629.9), dbSNP rs775574215, ClinGen allele CA8796988.
Genomic context (GRCh38, chr17:78,138,732, plus strand): 5'-AGCGTGCCCTCCACTACCTGGGCTCCCACGCCTTCAGCTTCCCCCTCCTCATCATGCTCA[G>A]GTTCTCAGGGCAGCCGGGGCCATGGGAGGGGACACCTGGAGGGGGAGGTCCTTCCTTCCA-3'
Protein context (NP_689681.2, residues 598-618): AFSFPLLIML[Ser608Asn]LVLTVCVSQT